The following is an entry in ClinVar:

ClinVar aggregate classification (germline): Uncertain significance (1 of 4 stars; one submission).

Conditions:
Cardiovascular phenotype. Identifiers: MedGen CN230736.

Allele frequency attached by ClinVar (database versions not stated): gnomAD exomes below 0.00001; TOPMed below 0.00001; ExAC 0.00001; gnomAD 0.00001.
gnomAD v4.1: 2 of 1,613,234 alleles (0.00012%); highest among the groups gnomAD compares: African/African-American, 0.0027%; no homozygotes.

Submission:

Ambry Genetics
Classification: Uncertain significance for Cardiovascular phenotype. Last evaluated: 2020-06-29. Review status: criteria provided, single submitter. Criteria: Ambry Variant Classification Scheme 2023. Collection method: clinical testing. Allele origin: germline.
Comment: The p.G21424V variant (also known as c.64271G>T), located in coding exon 163 of the TTN gene, results from a G to T substitution at nucleotide position 64271. The glycine at codon 21424 is replaced by valine, an amino acid with dissimilar properties. This amino acid position is highly conserved in available vertebrate species. In addition, the in silico prediction for this alteration is inconclusive. Since supporting evidence is limited at this time, the clinical significance of this alteration remains unclear.

NM_001267550.2(TTN):c.91466G>T (p.Gly30489Val)

Genes: TTN (titin; minus strand), TTN-AS1 (TTN antisense RNA 1; plus strand). Cytogenetic location: 2q31.2.
Variant type: single nucleotide variant.
Coding change: c.91466G>T on transcript NM_001267550.2 (MANE Select); coding-DNA position 91466, G replaced by T.
Protein change: p.Gly30489Val; replaces glycine 30489 with valine.
Molecular consequence: missense variant.
Genome position (GRCh38, 1-based): chr2:178,551,065, C>A on the plus strand (G>T on the coding strand, the complement: TTN is on the minus strand). VCF-style: chr2-178551065-C-A. GRCh37 (hg19) VCF-style: chr2-179415792-C-A.
Other names: c.86543G>T, p.Gly28848Val (NM_001256850.1); c.64271G>T, p.Gly21424Val (NM_003319.4); c.83762G>T, p.Gly27921Val (NM_133378.4); c.64646G>T, p.Gly21549Val (NM_133432.3); c.64847G>T, p.Gly21616Val (NM_133437.4); short protein forms G21424V, G21549V, G21616V, G27921V, G28848V, G30489V.
Identifiers: ClinVar variation 1753458 (VCV001753458.2), dbSNP rs755183656, ClinGen allele CA1987630.